The following is an entry in ClinVar:

NM_000503.6(EYA1):c.1325_1326del (p.Lys442fs)

Gene: EYA1 (EYA transcriptional coactivator and phosphatase 1; minus strand). Cytogenetic location: 8q13.3.
Variant type: Deletion.
Coding change: c.1325_1326del on transcript NM_000503.6 (MANE Select); coding-DNA positions 1325 to 1326, 2 bases deleted (AA; older notation c.1325_1326delAA).
Protein change: p.Lys442fs; shifts the reading frame from lysine 442.
Molecular consequence: frameshift variant.
Genome position (GRCh38, 1-based): chr8:71,216,726-71,216,727, TT deleted on the plus strand (AA on the coding strand, the reverse complement: EYA1 is on the minus strand); deleting any 2 consecutive bases within chr8:71,216,726-71,216,729 gives the same sequence; the c. name uses the placement nearest the transcript's 3' end. VCF-style (leftmost placement, unchanged base first): chr8-71216725-CTT-C. GRCh37 (hg19) VCF-style: chr8-72128960-CTT-C.
Other names: c.1307_1308del, p.Lys436fs (NM_001288574.2, NM_172059.5); c.959_960del, p.Lys320fs (NM_001288575.2); c.1412_1413del, p.Lys471fs (NM_001370333.1); c.1325_1326del, p.Lys442fs (NM_001370334.1, NM_001370335.1, NM_172058.4); c.1304_1305del, p.Lys435fs (NM_001370336.1); short protein forms K320fs, K435fs, K436fs, K442fs, K471fs.
Identifiers: ClinVar variation 1457990 (VCV001457990.8), dbSNP rs2128853806, ClinGen allele CA658820869.

ClinVar aggregate classification (germline): Pathogenic (1 of 4 stars; one submission).

Conditions:
Melnick-Fraser syndrome (BOR). Also called: Branchio-oto-renal syndrome; Branchiootorenal Syndrome (BORS); Branchiootorenal syndrome. Identifiers: Orphanet 107, MedGen C0265234, MONDO:0007029.

Submission:

Labcorp Genetics (formerly Invitae), Labcorp
Classification: Pathogenic for Melnick-Fraser syndrome. Last evaluated: 2020-11-27. Review status: criteria provided, single submitter. Criteria: Invitae Variant Classification Sherloc (09022015). Collection method: clinical testing. Allele origin: germline.
Comment: This sequence change creates a premature translational stop signal (p.Lys442Argfs*9) in the EYA1 gene. It is expected to result in an absent or disrupted protein product. Loss-of-function variants in EYA1 are known to be pathogenic (PMID: 10464653, 18220287). This variant is not present in population databases (ExAC no frequency). This variant has been observed in individual(s) with EYA1-related conditions (PMID: 19206155). This variant is also known as c.1226_1227delAA. Algorithms developed to predict the effect of sequence changes on RNA splicing suggest that this variant may create or strengthen a splice site, but this prediction has not been confirmed by published transcriptional studies. For these reasons, this variant has been classified as Pathogenic.

Literature cited by the submitters: PubMed 10464653; PubMed 18220287; PubMed 19206155.